The following is an entry in ClinVar:

NM_001128228.3(TPRN):c.57G>T (p.Lys19Asn)

Genes: TPRN (taperin; minus strand), LOC130003093 (ATAC-STARR-seq lymphoblastoid silent region 20590; plus strand). Cytogenetic location: 9q34.3.
Variant type: single nucleotide variant.
Coding change: c.57G>T on transcript NM_001128228.3 (MANE Select); coding-DNA position 57, G replaced by T.
Protein change: p.Lys19Asn; replaces lysine 19 with asparagine.
Molecular consequence: missense variant.
Genome position (GRCh38, 1-based): chr9:137,200,655, C>A on the plus strand (G>T on the coding strand, the complement: TPRN is on the minus strand). VCF-style: chr9-137200655-C-A. GRCh37 (hg19) VCF-style: chr9-140095107-C-A.
Other names: short protein forms K19N.
Identifiers: ClinVar variation 4074436 (VCV004074436.1).

ClinVar aggregate classification (germline): Uncertain significance (1 of 4 stars; one submission).

Submission:

GeneDx
Classification: Uncertain significance. Last evaluated: 2025-02-04. Review status: criteria provided, single submitter. Criteria: GeneDx Variant Classification Process June 2021. Collection method: clinical testing. Allele origin: germline. Affected: yes.
Comment: Not observed at significant frequency in large population cohorts (gnomAD); In silico analysis indicates that this missense variant does not alter protein structure/function; Has not been previously published as pathogenic or benign to our knowledge